The following is an entry in ClinVar:

NM_001267550.2(TTN):c.69872_69873del (p.Thr23291fs)

Genes: TTN-AS1 (TTN antisense RNA 1; plus strand), TTN (titin; minus strand), LOC126806422 (BRD4-independent group 4 enhancer GRCh37_chr2:179440205-179441404; plus strand). Cytogenetic location: 2q31.2.
Variant type: Deletion.
Coding change: c.69872_69873del on transcript NM_001267550.2 (MANE Select); coding-DNA positions 69872 to 69873, 2 bases deleted (CC; older notation c.69872_69873delCC).
Protein change: p.Thr23291fs; shifts the reading frame from threonine 23291.
Molecular consequence: frameshift variant.
Genome position (GRCh38, 1-based): chr2:178,576,259-178,576,260, GG deleted on the plus strand (CC on the coding strand, the reverse complement: TTN is on the minus strand). VCF-style (leftmost placement, unchanged base first): chr2-178576258-TGG-T. GRCh37 (hg19) VCF-style: chr2-179440985-TGG-T.
Other names: c.64949_64950del, p.Thr21650fs (NM_001256850.1); c.42677_42678del, p.Thr14226fs (NM_003319.4); c.62168_62169del, p.Thr20723fs (NM_133378.4); c.43052_43053del, p.Thr14351fs (NM_133432.3); c.43253_43254del, p.Thr14418fs (NM_133437.4); short protein forms T14226fs, T14351fs, T14418fs, T20723fs, T21650fs, T23291fs.
Identifiers: ClinVar variation 3758588 (VCV003758588.2).

ClinVar aggregate classification (germline): Likely pathogenic (1 of 4 stars; one submission).

Conditions:
Dilated cardiomyopathy 1G (CMD1G). Identifiers: Orphanet 154, MedGen C1858763, MONDO:0011400, OMIM 604145.
Autosomal recessive limb-girdle muscular dystrophy type 2J (LGMDR10). Also called: Limb-girdle muscular dystrophy, type 2J; MUSCULAR DYSTROPHY, LIMB-GIRDLE, AUTOSOMAL RECESSIVE 10. Identifiers: Orphanet 140922, MedGen C1837342, MONDO:0012127, OMIM 608807.

Submission:

Labcorp Genetics (formerly Invitae), Labcorp
Classification: Likely pathogenic for Dilated cardiomyopathy 1G; Autosomal recessive limb-girdle muscular dystrophy type 2J. Last evaluated: 2024-09-11. Review status: criteria provided, single submitter. Criteria: Invitae Variant Classification Sherloc (09022015). Collection method: clinical testing. Allele origin: germline.
Comment: This sequence change creates a premature translational stop signal (p.Thr23291Asnfs*14) in the TTN gene. While this is not anticipated to result in nonsense mediated decay, it is expected to create a truncated TTN protein. This variant is not present in population databases (gnomAD no frequency). This variant has not been reported in the literature in individuals affected with TTN-related conditions. This variant is located in the A band of TTN (PMID: 25589632). Truncating variants in this region are significantly overrepresented in patients affected with dilated cardiomyopathy (PMID: 25589632). Truncating variants in this region have also been reported in individuals affected with autosomal recessive centronuclear myopathy (PMID: 23975875). In summary, the currently available evidence indicates that the variant is pathogenic, but additional data are needed to prove that conclusively. Therefore, this variant has been classified as Likely Pathogenic.

Literature cited by the submitters: PubMed 25589632; PubMed 23975875.